The following is an entry in ClinVar:

NM_030665.4(RAI1):c.2001G>A (p.Leu667=)

Gene: RAI1 (retinoic acid induced 1; plus strand). Cytogenetic location: 17p11.2.
Variant type: single nucleotide variant.
Coding change: c.2001G>A on transcript NM_030665.4 (MANE Select); coding-DNA position 2001, G replaced by A.
Protein change: p.Leu667=; no amino-acid change (leucine 667 retained).
Molecular consequence: synonymous variant.
Genome position (GRCh38, 1-based): chr17:17,794,949, G>A. VCF-style: chr17-17794949-G-A. GRCh37 (hg19) VCF-style: chr17-17698263-G-A.
Identifiers: ClinVar variation 288258 (VCV000288258.19), dbSNP rs201660954, ClinGen allele CA8418442.
Genomic context (GRCh38, chr17:17,794,949, plus strand): 5'-CGCCTGCCTGGACTCTGTGGCCAAGAGTGCGTGGCCCCGGCCTGGGGAGCCGGAGGCCCT[G>A]CCCGACTCCTTGCAGCTGGACAAGGGCGGCAATGCCAAGGACTTCAGCCCAGGGCTGTTT-3'
Protein context (NP_109590.3, residues 657-677): AWPRPGEPEA[Leu667=]PDSLQLDKGG

ClinVar aggregate classification (germline): Likely benign. Review status: criteria provided, multiple submitters, no conflicts (2 of 4 stars). 6 submissions from 6 submitters: Likely benign (5). 1 of the submissions does not count toward it. Last evaluated 2025-11-17.

Conditions:
RAI1-related disorder. Also called: RAI1-related condition.
Inborn genetic diseases. Identifiers: MedGen C0950123, MeSH D030342.

Allele frequency attached by ClinVar (database versions not stated): ESP Exome Variant Server 0.00008; ExAC 0.00010; gnomAD exomes 0.00010; 1000 Genomes Project 30x 0.00016; gnomAD 0.00019; 1000 Genomes Project 0.00020; TOPMed 0.00039.
gnomAD v4.1: 107 of 1,613,730 alleles (0.0066%); highest among the groups gnomAD compares: Middle Eastern, 0.23%; 2 homozygotes.

Submissions (6):

Labcorp Genetics (formerly Invitae), Labcorp
Classification: Likely benign. Last evaluated: 2025-11-17. Review status: criteria provided, single submitter. Criteria: Invitae Variant Classification Sherloc (09022015). Collection method: clinical testing. Allele origin: germline.

Blueprint Genetics
Classification: Likely benign. Last evaluated: 2024-09-05. Review status: criteria provided, single submitter. Criteria: ACMG Guidelines, 2015. Collection method: clinical testing. Allele origin: germline.

GeneDx
Classification: Likely benign. Last evaluated: 2021-03-11. Review status: criteria provided, single submitter. Criteria: GeneDx Variant Classification Process June 2021. Collection method: clinical testing. Allele origin: germline. Affected: yes.

Ambry Genetics
Classification: Likely benign for Inborn genetic diseases. Last evaluated: 2018-03-23. Review status: criteria provided, single submitter. Criteria: Ambry Variant Classification Scheme 2023. Collection method: clinical testing. Allele origin: germline.

Eurofins Ntd Llc (ga)
Classification: Likely benign. Last evaluated: 2016-06-23. Review status: criteria provided, single submitter. Criteria: EGL Classification Definitions 2015. Collection method: clinical testing. Allele origin: germline. Observed: 1 variant allele, 1 heterozygote.

PreventionGenetics, part of Exact Sciences
Classification: Likely benign for RAI1-related condition. Last evaluated: 2024-01-18. Review status: no assertion criteria provided. Collection method: clinical testing. Allele origin: germline. Not counted in ClinVar's aggregate classification.
Comment: This variant is classified as likely benign based on ACMG/AMP sequence variant interpretation guidelines (Richards et al. 2015 PMID: 25741868, with internal and published modifications).